The following is an entry in ClinVar:

NM_080473.5(GATA5):c.832C>T (p.Arg278Trp)

Gene: GATA5 (GATA binding protein 5; minus strand). Cytogenetic location: 20q13.33.
Variant type: single nucleotide variant.
Coding change: c.832C>T on transcript NM_080473.5 (MANE Select); coding-DNA position 832, C replaced by T.
Protein change: p.Arg278Trp; replaces arginine 278 with tryptophan.
Molecular consequence: missense variant.
Genome position (GRCh38, 1-based): chr20:62,465,915, G>A on the plus strand (C>T on the coding strand, the complement: GATA5 is on the minus strand). VCF-style: chr20-62465915-G-A. GRCh37 (hg19) VCF-style: chr20-61040971-G-A.
Other names: c.832C>T (NM_080473.4); short protein forms R278W.
Identifiers: ClinVar variation 2997929 (VCV002997929.4), dbSNP rs1200726928, ClinGen allele CA409553579.
Genomic context (GRCh38, chr20:62,465,915, plus strand): 5'-CGATGGTCTTTGGCTTCCGCTTCCGTGTCTGGATGCTTTCCTTCTTCATAGCCAGAGGCC[G>A]CGGCACCTGGCAGGGGTGGCGAGGGTGGAGGCTGGTCCCATCCCTGCTCACCCCGGGCCC-3'
Protein context (NP_536721.1, residues 268-288): GLYMKLHGVP[Arg278Trp]PLAMKKESIQ

ClinVar aggregate classification (germline): Uncertain significance. Review status: criteria provided, multiple submitters, no conflicts (2 of 4 stars). 2 submissions from 2 submitters: Uncertain significance (2). Last evaluated 2025-09-22.

Allele frequency attached by ClinVar (database versions not stated): TOPMed below 0.00001; gnomAD 0.00001.
gnomAD v4.1: 7 of 1,588,146 alleles (0.00044%); highest among the groups gnomAD compares: African/African-American, 0.0013%; no homozygotes.

Submissions (2):

Labcorp Genetics (formerly Invitae), Labcorp
Classification: Uncertain significance. Last evaluated: 2025-09-22. Review status: criteria provided, single submitter. Criteria: Invitae Variant Classification Sherloc (09022015). Collection method: clinical testing. Allele origin: germline.
Comment: This sequence change replaces arginine, which is basic and polar, with tryptophan, which is neutral and slightly polar, at codon 278 of the GATA5 protein (p.Arg278Trp). This variant is present in population databases (no rsID available, gnomAD 0.01%). This variant has not been reported in the literature in individuals affected with GATA5-related conditions. ClinVar contains an entry for this variant (Variation ID: 2997929). Invitae Evidence Modeling of protein sequence and biophysical properties (such as structural, functional, and spatial information, amino acid conservation, physicochemical variation, residue mobility, and thermodynamic stability) indicates that this missense variant is expected to disrupt GATA5 protein function with a positive predictive value of 80%. In summary, the available evidence is currently insufficient to determine the role of this variant in disease. Therefore, it has been classified as a Variant of Uncertain Significance.

Ambry Genetics
Classification: Uncertain significance. Last evaluated: 2025-02-07. Review status: criteria provided, single submitter. Criteria: Ambry Variant Classification Scheme 2023. Collection method: clinical testing. Allele origin: germline.